The following is an entry in ClinVar:

NM_004211.5(SLC6A5):c.1858A>G (p.Met620Val)

Gene: SLC6A5 (solute carrier family 6 member 5; plus strand). Cytogenetic location: 11p15.1.
Variant type: single nucleotide variant.
Coding change: c.1858A>G on transcript NM_004211.5 (MANE Select); coding-DNA position 1858, A replaced by G.
Protein change: p.Met620Val; replaces methionine 620 with valine.
Molecular consequence: missense variant.
Genome position (GRCh38, 1-based): chr11:20,637,292, A>G. VCF-style: chr11-20637292-A-G. GRCh37 (hg19) VCF-style: chr11-20658838-A-G.
Other names: c.1156A>G, p.Met386Val (NM_001318369.2); c.1858A>G (NM_004211.3); short protein forms M386V, M620V.
Identifiers: ClinVar variation 1474353 (VCV001474353.6), dbSNP rs767494455, ClinGen allele CA5921590.
Genomic context (GRCh38, chr11:20,637,292, plus strand): 5'-ACACACAAGCCAGTGTTTACTCTGGGCTGCTGCATTTGTTTCTTCATCATGGGTTTTCCA[A>G]TGATCACTCAGGTAAGCTGCCTCCTAGGCACAGGCTTGGGGTGGGGGCAGGAGGGTGGGG-3'
Protein context (NP_004202.4, residues 610-630): CICFFIMGFP[Met620Val]ITQGGIYMFQ

ClinVar aggregate classification (germline): Uncertain significance. Review status: criteria provided, multiple submitters, no conflicts (2 of 4 stars). 2 submissions from 2 submitters: Uncertain significance (2). Last evaluated 2025-09-25.

Conditions:
Inborn genetic diseases. Identifiers: MedGen C0950123, MeSH D030342.
Hyperekplexia 3 (HKPX3). Also called: HYPEREKPLEXIA 3, AUTOSOMAL RECESSIVE; HYPEREKPLEXIA 3, AUTOSOMAL DOMINANT. Identifiers: Orphanet 3197, MedGen C3553288, MONDO:0013827, OMIM 614618.

Allele frequency attached by ClinVar (database versions not stated): ExAC 0.00001; gnomAD exomes 0.00001; gnomAD 0.00002; TOPMed 0.00002.
gnomAD v4.1: 20 of 1,491,852 alleles (0.0013%); highest among the groups gnomAD compares: African/African-American, 0.0057%; no homozygotes.

Submissions (2):

Ambry Genetics
Classification: Uncertain significance for Inborn genetic diseases. Last evaluated: 2025-09-25. Review status: criteria provided, single submitter. Criteria: Ambry Variant Classification Scheme 2023. Collection method: clinical testing. Allele origin: germline.

Labcorp Genetics (formerly Invitae), Labcorp
Classification: Uncertain significance for Hyperekplexia 3. Last evaluated: 2023-11-27. Review status: criteria provided, single submitter. Criteria: Invitae Variant Classification Sherloc (09022015). Collection method: clinical testing. Allele origin: germline.
Comment: This sequence change replaces methionine, which is neutral and non-polar, with valine, which is neutral and non-polar, at codon 620 of the SLC6A5 protein (p.Met620Val). This variant is present in population databases (rs767494455, gnomAD 0.003%). This variant has not been reported in the literature in individuals affected with SLC6A5-related conditions. ClinVar contains an entry for this variant (Variation ID: 1474353). Advanced modeling of protein sequence and biophysical properties (such as structural, functional, and spatial information, amino acid conservation, physicochemical variation, residue mobility, and thermodynamic stability) performed at Invitae indicates that this missense variant is not expected to disrupt SLC6A5 protein function with a negative predictive value of 80%. In summary, the available evidence is currently insufficient to determine the role of this variant in disease. Therefore, it has been classified as a Variant of Uncertain Significance.